The following is an entry in ClinVar:

NM_000127.3(EXT1):c.1504G>A (p.Val502Met)

Gene: EXT1 (exostosin glycosyltransferase 1; minus strand). Cytogenetic location: 8q24.11.
Variant type: single nucleotide variant.
Coding change: c.1504G>A on transcript NM_000127.3 (MANE Select); coding-DNA position 1504, G replaced by A.
Protein change: p.Val502Met; replaces valine 502 with methionine.
Molecular consequence: missense variant.
Genome position (GRCh38, 1-based): chr8:117,819,708, C>T on the plus strand (G>A on the coding strand, the complement: EXT1 is on the minus strand). VCF-style: chr8-117819708-C-T. GRCh37 (hg19) VCF-style: chr8-118831947-C-T.
Other names: c.1504G>A (NM_000127.2); short protein forms V502M.
Identifiers: ClinVar variation 1412617 (VCV001412617.10), dbSNP rs778048374, ClinGen allele CA4854121.

ClinVar aggregate classification (germline): Uncertain significance. Review status: criteria provided, multiple submitters, no conflicts (2 of 4 stars). 3 submissions from 3 submitters: Uncertain significance (3). Last evaluated 2025-10-07.

Conditions:
Chondrosarcoma. Also called: Chondrosarcoma, somatic. Identifiers: Orphanet 55880, MedGen C0008479, MONDO:0008977, OMIM 215300, HP:0006765.
Inborn genetic diseases. Identifiers: MedGen C0950123, MeSH D030342.
Multiple congenital exostosis (EXT). Also called: Hereditary multiple osteochondromas; MULTIPLE CARTILAGINOUS EXOSTOSES; Multiple exostoses; Hereditary multiple exostoses; Hereditary multiple exostosis; Multiple osteochondromas. Identifiers: Orphanet 321, MedGen C0015306, MONDO:0005508, HP:0002762.

Allele frequency attached by ClinVar (database versions not stated): TOPMed below 0.00001; ExAC 0.00001; gnomAD 0.00001.
gnomAD v4.1: 15 of 1,612,648 alleles (0.00093%); highest among the groups gnomAD compares: African/African-American, 0.0013%; no homozygotes.

Submissions (3):

Ambry Genetics
Classification: Uncertain significance for Inborn genetic diseases. Last evaluated: 2025-10-07. Review status: criteria provided, single submitter. Criteria: Ambry Variant Classification Scheme 2023. Collection method: clinical testing. Allele origin: germline.

Baylor Genetics
Classification: Uncertain significance for Chondrosarcoma. Last evaluated: 2023-05-31. Review status: criteria provided, single submitter. Criteria: ACMG Guidelines, 2015. Collection method: clinical testing. Allele origin: unknown.

Labcorp Genetics (formerly Invitae), Labcorp
Classification: Uncertain significance for Multiple congenital exostosis. Last evaluated: 2022-02-19. Review status: criteria provided, single submitter. Criteria: Invitae Variant Classification Sherloc (09022015). Collection method: clinical testing. Allele origin: germline.
Comment: In summary, the available evidence is currently insufficient to determine the role of this variant in disease. Therefore, it has been classified as a Variant of Uncertain Significance. Advanced modeling of protein sequence and biophysical properties (such as structural, functional, and spatial information, amino acid conservation, physicochemical variation, residue mobility, and thermodynamic stability) performed at Invitae indicates that this missense variant is not expected to disrupt EXT1 protein function. This variant has not been reported in the literature in individuals affected with EXT1-related conditions. This variant is present in population databases (rs778048374, gnomAD 0.0009%). This sequence change replaces valine, which is neutral and non-polar, with methionine, which is neutral and non-polar, at codon 502 of the EXT1 protein (p.Val502Met).